The following is an entry in ClinVar:

ClinVar aggregate classification (germline): Likely benign (1 of 4 stars; one submission).

Submission:

CeGaT Center for Human Genetics Tuebingen
Classification: Likely benign. Last evaluated: 2026-08-01. Review status: criteria provided, single submitter. Criteria: CeGaT Center For Human Genetics Tuebingen Variant Classification Criteria Version 2. Collection method: clinical testing. Allele origin: germline. Affected: yes. Observed: 1 variant allele.
Comment: TRMT1: BP4, BP7

NM_001136035.4(TRMT1):c.1464G>A (p.Thr488=)

Gene: TRMT1 (tRNA methyltransferase 1; minus strand). Cytogenetic location: 19p13.13.
Variant type: single nucleotide variant.
Coding change: c.1464G>A on transcript NM_001136035.4 (MANE Select); coding-DNA position 1464, G replaced by A.
Protein change: p.Thr488=; no amino-acid change (threonine 488 retained).
Molecular consequence: synonymous variant.
Genome position (GRCh38, 1-based): chr19:13,107,793, C>T on the plus strand (G>A on the coding strand, the complement: TRMT1 is on the minus strand). VCF-style: chr19-13107793-C-T. GRCh37 (hg19) VCF-style: chr19-13218607-C-T.
Other names: c.1377G>A, p.Thr459= (NM_001142554.3, NM_001351760.2); c.1356G>A, p.Thr452= (NM_001351761.2); c.681G>A, p.Thr227= (NM_001351762.2); c.1464G>A, p.Thr488= (NM_017722.5).
Identifiers: ClinVar variation 5039295 (VCV005039295.1).